The following is an entry in ClinVar:

NM_001256627.2(BRSK2):c.564+1G>T

Gene: BRSK2 (BR serine/threonine kinase 2; plus strand). Cytogenetic location: 11p15.5.
Variant type: single nucleotide variant.
Coding change: c.564+1G>T on transcript NM_001256627.2 (MANE Select); the canonical splice donor site of the intron after coding-DNA position 564, G replaced by T.
Molecular consequence: splice donor variant.
Genome position (GRCh38, 1-based): chr11:1,443,140, G>T. VCF-style: chr11-1443140-G-T. GRCh37 (hg19) VCF-style: chr11-1464370-G-T.
Other names: c.564+1G>T (NM_001440665.1, NM_001440668.1, NM_001440670.1 and 3 more transcripts); c.384+1G>T (NM_001440674.1, NM_001440671.1, NM_001440672.1 and 5 more transcripts); c.702+1G>T (NM_001256630.1, NM_001440667.1).
Identifiers: ClinVar variation 4849557 (VCV004849557.1).

ClinVar aggregate classification (germline): Likely pathogenic (1 of 4 stars; one submission).

Conditions:
Autosomal dominant non-syndromic intellectual disability. Identifiers: Orphanet 178469, MedGen C5680502, MONDO:0015802.

Submission:

Department of Human Genetics, University Hospital Bern, Inselspital
Classification: Likely pathogenic for Autosomal dominant non-syndromic intellectual disability. Last evaluated: 2026-05-03. Review status: criteria provided, single submitter. Criteria: ACMG Guidelines, 2015. Collection method: research. Allele origin: unknown. Affected: yes.
Comment: The variant affects a canonical splice site most likely leading to the loss of a splice donor site and skipping of exon 6, subsequently resulting in a frameshift. The variant is also absent from gnomAD v4.1.0. In summary, criteria PVS1 and PM2_Supporting were used.

Literature cited by the submitters: PubMed 42509346.